The following is an entry in ClinVar:

ClinVar aggregate classification (germline): Uncertain significance. Review status: criteria provided, multiple submitters, no conflicts (2 of 4 stars). 3 submissions from 3 submitters: Uncertain significance (3). Last evaluated 2026-08-03.

Conditions:
ASCC3-related condition.
Inborn genetic diseases. Identifiers: MedGen C0950123, MeSH D030342.

Allele frequency attached by ClinVar (database versions not stated): ExAC 0.00001; gnomAD 0.00001; gnomAD exomes 0.00002; TOPMed 0.00003.
gnomAD v4.1: 24 of 1,612,106 alleles (0.0015%); highest among the groups gnomAD compares: Non-Finnish European, 0.002%; no homozygotes.

Submissions (3):

GeneDx
Classification: Uncertain significance. Last evaluated: 2026-08-03. Review status: criteria provided, single submitter. Criteria: GeneDx Variant Classification Process June 2021. Collection method: clinical testing. Allele origin: germline.
Comment: Not observed at significant frequency in large population cohorts (gnomAD); In silico analysis supports that this missense variant has a deleterious effect on protein structure/function; Has not been previously published as pathogenic or benign to our knowledge

Ambry Genetics
Classification: Uncertain significance for Inborn genetic diseases. Last evaluated: 2025-08-05. Review status: criteria provided, single submitter. Criteria: Ambry Variant Classification Scheme 2023. Collection method: clinical testing. Allele origin: germline.

PreventionGenetics, part of Exact Sciences
Classification: Uncertain significance for ASCC3-related condition. Last evaluated: 2025-03-05. Review status: criteria provided, single submitter. Criteria: ACMG Guidelines, 2015. Collection method: clinical testing. Allele origin: germline.
Comment: The ASCC3 c.1888C>T variant is predicted to result in the amino acid substitution p.Arg630Cys. To our knowledge, this variant has not been reported in the literature. This variant is reported in 0.0029% of alleles in individuals of Latino descent in gnomAD. At this time, the clinical significance of this variant is uncertain due to the absence of conclusive functional and genetic evidence.

NM_006828.4(ASCC3):c.1888C>T (p.Arg630Cys)

Gene: ASCC3 (activating signal cointegrator 1 complex subunit 3; minus strand). Cytogenetic location: 6q16.3.
Variant type: single nucleotide variant.
Coding change: c.1888C>T on transcript NM_006828.4 (MANE Select); coding-DNA position 1888, C replaced by T.
Protein change: p.Arg630Cys; replaces arginine 630 with cysteine.
Molecular consequence: missense variant.
Genome position (GRCh38, 1-based): chr6:100,725,553, G>A on the plus strand (C>T on the coding strand, the complement: ASCC3 is on the minus strand). VCF-style: chr6-100725553-G-A. GRCh37 (hg19) VCF-style: chr6-101173429-G-A.
Other names: c.1888C>T (NM_006828.3); c.1888C>T, p.Arg630Cys (NM_001284271.2); short protein forms R630C.
Identifiers: ClinVar variation 2443441 (VCV002443441.4), dbSNP rs780428430, ClinGen allele CA3938714.